The following is an entry in ClinVar:

ClinVar aggregate classification (germline): Uncertain significance. Review status: criteria provided, multiple submitters, no conflicts (2 of 4 stars). 2 submissions from 2 submitters: Uncertain significance (2). Last evaluated 2024-10-23.

Conditions:
Developmental and epileptic encephalopathy, 53. Also called: Epileptic encephalopathy, early infantile, 53. Identifiers: MedGen C4479313, MONDO:0033362, OMIM 617389.
Early-onset Parkinson disease 20. Also called: PARKINSON DISEASE 20, AUTOSOMAL RECESSIVE EARLY-ONSET. Identifiers: Orphanet 391411, MedGen C3809824, MONDO:0014233, OMIM 615530.

Allele frequency attached by ClinVar (database versions not stated): ExAC 0.00001; gnomAD 0.00002; gnomAD exomes 0.00002; TOPMed 0.00005.
gnomAD v4.1: 23 of 1,613,896 alleles (0.0014%); highest among the groups gnomAD compares: East Asian, 0.0067%; no homozygotes.

Submissions (2):

GeneDx
Classification: Uncertain significance. Last evaluated: 2024-10-23. Review status: criteria provided, single submitter. Criteria: GeneDx Variant Classification Process June 2021. Collection method: clinical testing. Allele origin: germline. Affected: yes.
Comment: Not observed at significant frequency in large population cohorts (gnomAD); In silico analysis indicates that this missense variant does not alter protein structure/function; Has not been previously published as pathogenic or benign to our knowledge

Labcorp Genetics (formerly Invitae), Labcorp
Classification: Uncertain significance for Developmental and epileptic encephalopathy, 53; Early-onset Parkinson disease 20. Last evaluated: 2022-07-06. Review status: criteria provided, single submitter. Criteria: Invitae Variant Classification Sherloc (09022015). Collection method: clinical testing. Allele origin: germline.
Comment: This sequence change replaces arginine, which is basic and polar, with glutamine, which is neutral and polar, at codon 1421 of the SYNJ1 protein (p.Arg1421Gln). This variant is present in population databases (rs765410501, gnomAD 0.005%). This variant has not been reported in the literature in individuals affected with SYNJ1-related conditions. ClinVar contains an entry for this variant (Variation ID: 661401). Algorithms developed to predict the effect of missense changes on protein structure and function (SIFT, PolyPhen-2, Align-GVGD) all suggest that this variant is likely to be tolerated. Algorithms developed to predict the effect of sequence changes on RNA splicing suggest that this variant may create or strengthen a splice site. In summary, the available evidence is currently insufficient to determine the role of this variant in disease. Therefore, it has been classified as a Variant of Uncertain Significance.

NM_203446.3(SYNJ1):c.*233G>A

Gene: SYNJ1 (synaptojanin 1; minus strand). Cytogenetic location: 21q22.11.
Variant type: single nucleotide variant.
Coding change: c.*233G>A on transcript NM_203446.3 (MANE Select); 233 bases downstream of the stop codon, G replaced by A.
Molecular consequence: 3 prime UTR variant. On other transcripts: missense variant (2).
Genome position (GRCh38, 1-based): chr21:32,631,572, C>T on the plus strand (G>A on the coding strand, the complement: SYNJ1 is on the minus strand). VCF-style: chr21-32631572-C-T. GRCh37 (hg19) VCF-style: chr21-34003882-C-T.
Other names: c.*233G>A (NM_001160302.2); c.4004G>A, p.Arg1335Gln (NM_001160306.2); c.4262G>A, p.Arg1421Gln (NM_003895.4); short protein forms R1421Q, R1335Q.
Identifiers: ClinVar variation 661401 (VCV000661401.7), dbSNP rs765410501, ClinGen allele CA10003151.